The following is an entry in ClinVar:

NM_152641.4(ARID2):c.5132A>G (p.Gln1711Arg)

Gene: ARID2 (AT-rich interaction domain 2; plus strand). Cytogenetic location: 12q12.
Variant type: single nucleotide variant.
Coding change: c.5132A>G on transcript NM_152641.4 (MANE Select); coding-DNA position 5132, A replaced by G.
Protein change: p.Gln1711Arg; replaces glutamine 1711 with arginine.
Molecular consequence: missense variant.
Genome position (GRCh38, 1-based): chr12:45,892,081, A>G. VCF-style: chr12-45892081-A-G. GRCh37 (hg19) VCF-style: chr12-46285864-A-G.
Other names: c.5132A>G, p.Gln1711Arg (NM_001347839.2); short protein forms Q1711R.
Identifiers: ClinVar variation 3349968 (VCV003349968.1).

ClinVar aggregate classification (germline): Uncertain significance (0 of 4 stars; one submission).

Conditions:
ARID2-related disorder. Also called: ARID2-related condition.

Submission:

PreventionGenetics, part of Exact Sciences
Classification: Uncertain significance for ARID2-related condition. Last evaluated: 2024-08-31. Review status: no assertion criteria provided. Collection method: clinical testing. Allele origin: germline.
Comment: The ARID2 c.5132A>G variant is predicted to result in the amino acid substitution p.Gln1711Arg. To our knowledge, this variant has not been reported in the literature or in a large population database, indicating this variant is rare. At this time, the clinical significance of this variant is uncertain due to the absence of conclusive functional and genetic evidence.